The following is an entry in ClinVar:

NM_001048174.2(MUTYH):c.851T>A (p.Val284Glu)

Gene: MUTYH (mutY DNA glycosylase; minus strand). Cytogenetic location: 1p34.1.
Variant type: single nucleotide variant.
Coding change: c.851T>A on transcript NM_001048174.2 (MANE Select); coding-DNA position 851, T replaced by A.
Protein change: p.Val284Glu; replaces valine 284 with glutamic acid.
Molecular consequence: missense variant. On other transcripts: non-coding transcript variant (7).
Genome position (GRCh38, 1-based): chr1:45,332,085, A>T on the plus strand (T>A on the coding strand, the complement: MUTYH is on the minus strand). VCF-style: chr1-45332085-A-T. GRCh37 (hg19) VCF-style: chr1-45797757-A-T.
Other names: c.851T>A, p.Val284Glu (NM_001048171.2, NM_001048173.2, NM_001407070.1 and 6 more transcripts); c.854T>A, p.Val285Glu (NM_001048172.2, NM_001407071.1, NM_001407078.1 and 1 more transcripts); c.767T>A, p.Val256Glu (NM_001407075.1); c.809T>A, p.Val270Glu (NM_001407080.1); c.812T>A, p.Val271Glu (NM_001407079.1); c.884T>A, p.Val295Glu (NM_001407077.1, NM_001293191.2, NM_001407069.1); c.935T>A, p.Val312Glu (NM_001128425.2); c.896T>A, p.Val299Glu (NM_001293190.2); and 5 more; short protein forms V169E, V299E, V312E, V284E, V291E, V298E, V192E, V256E.
Identifiers: ClinVar variation 4113917 (VCV004113917.1).

ClinVar aggregate classification (germline): Uncertain significance (1 of 4 stars; one submission).

Conditions:
Hereditary cancer-predisposing syndrome. Also called: Hereditary neoplastic syndrome; Neoplastic Syndromes, Hereditary; Tumor predisposition; Hereditary Cancer Syndrome. Identifiers: Orphanet 140162, MedGen C0027672, MeSH D009386, MONDO:0015356.

Submission:

Ambry Genetics
Classification: Uncertain significance for Hereditary cancer-predisposing syndrome. Last evaluated: 2025-08-27. Review status: criteria provided, single submitter. Criteria: Ambry Variant Classification Scheme 2023. Collection method: clinical testing. Allele origin: germline.
Comment: The p.V312E variant (also known as c.935T>A), located in coding exon 11 of the MUTYH gene, results from a T to A substitution at nucleotide position 935. The valine at codon 312 is replaced by glutamic acid, an amino acid with dissimilar properties. This amino acid position is conserved. In addition, the in silico prediction for this alteration is inconclusive. Based on the available evidence, the clinical significance of this variant remains unclear.